The following is an entry in ClinVar:

ClinVar aggregate classification (germline): Conflicting classifications of pathogenicity. Review status: criteria provided, conflicting classifications (1 of 4 stars). 3 submissions from 3 submitters: Uncertain significance (2); Likely benign (1). Last evaluated 2025-10-03.

Allele frequency attached by ClinVar (database versions not stated): ExAC 0.00012; gnomAD exomes 0.00013; TOPMed 0.00013.
gnomAD v4.1: 185 of 1,613,740 alleles (0.011%); highest among the groups gnomAD compares: Middle Eastern, 0.016%; no homozygotes.

Submissions (3):

Labcorp Genetics (formerly Invitae), Labcorp
Classification: Uncertain significance. Last evaluated: 2025-10-03. Review status: criteria provided, single submitter. Criteria: Invitae Variant Classification Sherloc (09022015). Collection method: clinical testing. Allele origin: germline.
Comment: This sequence change replaces arginine, which is basic and polar, with histidine, which is basic and polar, at codon 224 of the ADSSL1 protein (p.Arg224His). This variant is present in population databases (rs755536909, gnomAD 0.03%). This variant has not been reported in the literature in individuals affected with ADSSL1-related conditions. ClinVar contains an entry for this variant (Variation ID: 493152). An algorithm developed to predict the effect of missense changes on protein structure and function (PolyPhen-2) suggests that this variant is likely to be disruptive. In summary, the available evidence is currently insufficient to determine the role of this variant in disease. Therefore, it has been classified as a Variant of Uncertain Significance.

GeneDx
Classification: Uncertain significance. Last evaluated: 2020-01-18. Review status: criteria provided, single submitter. Criteria: GeneDx Variant Classification Process June 2021. Collection method: clinical testing. Allele origin: germline. Affected: yes.
Comment: In silico analysis, which includes protein predictors and evolutionary conservation, supports a deleterious effect; Has not been previously published as pathogenic or benign to our knowledge

CeGaT Center for Human Genetics Tuebingen
Classification: Likely benign. Last evaluated: 2018-10-01. Review status: criteria provided, single submitter. Criteria: CeGaT Center For Human Genetics Tuebingen Variant Classification Criteria Version 2. Collection method: clinical testing. Allele origin: germline. Affected: yes. Observed: 2 variant alleles.

NM_152328.5(ADSS1):c.542G>A (p.Arg181His)

Gene: ADSS1 (adenylosuccinate synthase 1; plus strand). Cytogenetic location: 14q32.33.
Variant type: single nucleotide variant.
Coding change: c.542G>A on transcript NM_152328.5 (MANE Select); coding-DNA position 542, G replaced by A.
Protein change: p.Arg181His; replaces arginine 181 with histidine.
Molecular consequence: missense variant. On other transcripts: 5 prime UTR variant (1).
Genome position (GRCh38, 1-based): chr14:104,740,666, G>A. VCF-style: chr14-104740666-G-A. GRCh37 (hg19) VCF-style: chr14-105207003-G-A.
Other names: c.-74G>A (NM_001320424.1); c.671G>A, p.Arg224His (NM_199165.2); short protein forms R181H, R224H.
Identifiers: ClinVar variation 493152 (VCV000493152.48), dbSNP rs755536909, ClinGen allele CA7373733.